The following is an entry in ClinVar:

ClinVar aggregate classification (germline): Uncertain significance (1 of 4 stars; one submission).

Allele frequency attached by ClinVar (database versions not stated): gnomAD exomes 0.00002 and 0.00003; TOPMed 0.00002; gnomAD 0.00003 and 0.00004; ExAC 0.00006.
gnomAD v4.1: 37 of 1,609,906 alleles (0.0023%); highest among the groups gnomAD compares: Admixed American, 0.005%; no homozygotes.

Submission:

Labcorp Genetics (formerly Invitae), Labcorp
Classification: Uncertain significance. Last evaluated: 2024-12-17. Review status: criteria provided, single submitter. Criteria: Invitae Variant Classification Sherloc (09022015). Collection method: clinical testing. Allele origin: germline.
Comment: This sequence change replaces arginine, which is basic and polar, with cysteine, which is neutral and slightly polar, at codon 460 of the MKL1 protein (p.Arg460Cys). The frequency data for this variant in the population databases is considered unreliable, as metrics indicate poor data quality at this position in the gnomAD database. This variant has not been reported in the literature in individuals affected with MKL1-related conditions. ClinVar contains an entry for this variant (Variation ID: 1683054). An algorithm developed to predict the effect of missense changes on protein structure and function (PolyPhen-2) suggests that this variant is likely to be disruptive. In summary, the available evidence is currently insufficient to determine the role of this variant in disease. Therefore, it has been classified as a Variant of Uncertain Significance.

NM_020831.6(MRTFA):c.1678C>T (p.Arg560Cys)

Gene: MRTFA (myocardin related transcription factor A; minus strand). Cytogenetic location: 22q13.1.
Variant type: single nucleotide variant.
Coding change: c.1678C>T on transcript NM_020831.6 (MANE Select); coding-DNA position 1678, C replaced by T.
Protein change: p.Arg560Cys; replaces arginine 560 with cysteine.
Molecular consequence: missense variant.
Genome position (GRCh38, 1-based): chr22:40,419,060, G>A on the plus strand (C>T on the coding strand, the complement: MRTFA is on the minus strand). VCF-style: chr22-40419060-G-A. GRCh37 (hg19) VCF-style: chr22-40815064-G-A.
Other names: c.1378C>T, p.Arg460Cys (NM_001282660.2); c.1528C>T, p.Arg510Cys (NM_001282661.3); c.1678C>T, p.Arg560Cys (NM_001282662.3); c.1483C>T, p.Arg495Cys (NM_001318139.2); short protein forms R460C, R495C, R510C, R560C.
Identifiers: ClinVar variation 1683054 (VCV001683054.8), dbSNP rs564382176, ClinGen allele CA10249595.
Genomic context (GRCh38, chr22:40,419,060, plus strand): 5'-CCATCTCACCAAAGGTGTCCCCGGGGGTGGAGTTTTCATCGCCCGTGCTGAGCAGTGAGC[G>A]CTCCGAGGGGGTGGGAGACACGGGGGGCGTGGAGCCCGTGCTGCCAAACTTCACCACCCC-3'
Protein context (NP_065882.2, residues 550-570): TPPVSPTPSE[Arg560Cys]SLLSTGDENS